The following is an entry in ClinVar:

NM_000257.4(MYH7):c.222C>T (p.Asp74=)

Gene: MYH7 (myosin heavy chain 7; minus strand). Cytogenetic location: 14q11.2.
Variant type: single nucleotide variant.
Coding change: c.222C>T on transcript NM_000257.4 (MANE Select); coding-DNA position 222, C replaced by T.
Protein change: p.Asp74=; no amino-acid change (aspartic acid 74 retained).
Molecular consequence: synonymous variant.
Genome position (GRCh38, 1-based): chr14:23,433,207, G>A on the plus strand (C>T on the coding strand, the complement: MYH7 is on the minus strand). VCF-style: chr14-23433207-G-A. GRCh37 (hg19) VCF-style: chr14-23902416-G-A.
Other names: c.222C>T, p.Asp74= (NM_001407004.1).
Identifiers: ClinVar variation 4705271 (VCV004705271.2).
Genomic context (GRCh38, chr14:23,433,207, plus strand): 5'-GGTCAGCATGGCCATGTCCTCGATTTTGTCGAACTTGGGTGGGTTCTGCTGCATCACCTG[G>A]TCCTCCTTCACGGTCACTGTCTGCAAGAGCCCCCACCCAAGCCCTCCTGTCAGCCTGGGC-3'
Protein context (NP_000248.2, residues 64-84): EYGKTVTVKE[Asp74=]QVMQQNPPKF

ClinVar aggregate classification (germline): Likely benign. Review status: criteria provided, multiple submitters, no conflicts (2 of 4 stars). 2 submissions from 2 submitters: Likely benign (2). Last evaluated 2026-05-26.

Conditions:
Hypertrophic cardiomyopathy. Also called: HYPERTROPHIC MYOCARDIOPATHY. Identifiers: Orphanet 217569, MedGen C0007194, MeSH D002312, MONDO:0005045, HP:0001639.

gnomAD v4.1: 1 of 1,614,016 alleles (0.000062%); highest among the groups gnomAD compares: South Asian, 0.0011%; no homozygotes.

Submissions (2):

Women's Health and Genetics/Laboratory Corporation of America, LabCorp
Classification: Likely benign. Last evaluated: 2026-05-26. Review status: criteria provided, single submitter. Criteria: LabCorp Variant Classification Summary - May 2015. Collection method: clinical testing. Allele origin: germline.
Comment: Variant summary: MYH7 c.222C>T results in a synonymous change. Consensus agreement among computation tools predict no significant impact on normal splicing. However, these predictions have yet to be confirmed by functional studies. The variant allele was found at a frequency of 4e-06 in 251386 control chromosomes. The available data on variant occurrences in the general population are insufficient to allow any conclusion about variant significance. To our knowledge, no occurrence of c.222C>T in individuals affected with MYH7-related conditions and no experimental evidence demonstrating its impact on protein function have been reported. ClinVar contains an entry for this variant (Variation ID: 4705271). Based on the evidence outlined above, the variant was classified as likely benign.

Labcorp Genetics (formerly Invitae), Labcorp
Classification: Likely benign for Hypertrophic cardiomyopathy. Last evaluated: 2026-02-03. Review status: criteria provided, single submitter. Criteria: Invitae Variant Classification Sherloc (09022015). Collection method: clinical testing. Allele origin: germline.